The following is an entry in ClinVar:

ClinVar aggregate classification (germline): Conflicting classifications of pathogenicity. Review status: criteria provided, conflicting classifications (1 of 4 stars). 8 submissions from 6 submitters: Uncertain significance (5); Likely benign (2). 1 of the submissions does not count toward it. Last evaluated 2025-12-24.

Conditions:
COL11A2-related disorder. Also called: COL11A2-related condition; COL11A2-related disorders.
Otospondylomegaepiphyseal dysplasia, autosomal recessive (OSMEDB). Also called: Insley-Astley syndrome; CHONDRODYSTROPHY WITH SENSORINEURAL DEAFNESS. Identifiers: Orphanet 1427, MedGen CN034493, MONDO:0044206, OMIM 215150.
Otospondylomegaepiphyseal dysplasia, autosomal dominant (OSMEDA). Also called: COL11A2-Related Stickler Syndrome; Stickler syndrome, type 3; Pierre Robin syndrome with fetal chondrodysplasia. Identifiers: Orphanet 166100, Orphanet 3450, MedGen C1848488, MONDO:0008490, OMIM 184840.
Fibrochondrogenesis 2 (FBCG2). Identifiers: Orphanet 2021, MedGen C3281128, MONDO:0013795, OMIM 614524.

Allele frequency attached by ClinVar (database versions not stated): gnomAD exomes 0.00012 and 0.00023; 1000 Genomes Project 0.00020; ExAC 0.00025; ESP Exome Variant Server 0.00046; 1000 Genomes Project 30x 0.00047; gnomAD 0.00061 and 0.00068.
gnomAD v4.1: 278 of 1,609,662 alleles (0.017%); highest among the groups gnomAD compares: African/African-American, 0.19%; no homozygotes.

Submissions (8):

Labcorp Genetics (formerly Invitae), Labcorp
Classification: Uncertain significance. Last evaluated: 2025-12-24. Review status: criteria provided, single submitter. Criteria: Invitae Variant Classification Sherloc (09022015). Collection method: clinical testing. Allele origin: germline.
Comment: This sequence change affects codon 894 of the COL11A2 mRNA. It is a 'silent' change, meaning that it does not change the encoded amino acid sequence of the COL11A2 protein. This variant also falls at the last nucleotide of exon 36, which is part of the consensus splice site for this exon. This variant is present in population databases (rs113067047, gnomAD 0.2%). This variant has not been reported in the literature in individuals affected with COL11A2-related conditions. ClinVar contains an entry for this variant (Variation ID: 178327). Variants that disrupt the consensus splice site are a relatively common cause of aberrant splicing (PMID: 17576681, 9536098). Algorithms developed to predict the effect of sequence changes on RNA splicing suggest that this variant is not likely to affect RNA splicing. In summary, the available evidence is currently insufficient to determine the role of this variant in disease. Therefore, it has been classified as a Variant of Uncertain Significance.

Blueprint Genetics
Classification: Likely benign. Last evaluated: 2024-10-07. Review status: criteria provided, single submitter. Criteria: ACMG Guidelines, 2015. Collection method: clinical testing. Allele origin: germline.

GeneDx
Classification: Likely benign. Last evaluated: 2021-08-12. Review status: criteria provided, single submitter. Criteria: GeneDx Variant Classification Process June 2021. Collection method: clinical testing. Allele origin: germline. Affected: yes.

Illumina Laboratory Services, Illumina
Classification: Uncertain significance for Otospondylomegaepiphyseal dysplasia, autosomal recessive. Last evaluated: 2018-01-12. Review status: criteria provided, single submitter. Criteria: ICSL Variant Classification Criteria 13 December 2019. Collection method: clinical testing. Allele origin: germline.

Illumina Laboratory Services, Illumina
Classification: Uncertain significance for Otospondylomegaepiphyseal dysplasia, autosomal dominant. Last evaluated: 2018-01-12. Review status: criteria provided, single submitter. Criteria: ICSL Variant Classification Criteria 13 December 2019. Collection method: clinical testing. Allele origin: germline.

Illumina Laboratory Services, Illumina
Classification: Uncertain significance for Fibrochondrogenesis 2. Last evaluated: 2018-01-12. Review status: criteria provided, single submitter. Criteria: ICSL Variant Classification Criteria 13 December 2019. Collection method: clinical testing. Allele origin: germline.

Laboratory for Molecular Medicine, Mass General Brigham Personalized Medicine
Classification: Uncertain significance. Last evaluated: 2016-07-21. Review status: criteria provided, single submitter. Criteria: LMM Criteria. Collection method: clinical testing. Allele origin: germline. Observed: 2 variant alleles.
Comment: Variant classified as Uncertain Significance - Favor Benign. This variant has been identified in 0.2% (14/9576) of African chromosomes and 12/65002 European Chromosomes by the E xome Aggregation Consortium (ExAC; dbSNP rs11306 7047). Although this variant has been seen in the general population, its freque ncy is not high enough to rule out a pathogenic role. This variant does not alte r the amino acid sequence, but is located in the last base of the exon, which is part of the 5' splice region. Computational tools do not suggest an impact to s plicing. However, this information is not predictive enough to rule out pathogen icity. In summary, while the clinical significance of the p.Pro894Pro variant is uncertain, these data suggest it is more likely to be benign.

PreventionGenetics, part of Exact Sciences
Classification: Likely benign for COL11A2-related condition. Last evaluated: 2021-08-31. Review status: no assertion criteria provided. Collection method: clinical testing. Allele origin: germline. Not counted in ClinVar's aggregate classification.
Comment: This variant is classified as likely benign based on ACMG/AMP sequence variant interpretation guidelines (Richards et al. 2015 PMID: 25741868, with internal and published modifications).

Literature cited by the submitters: PubMed 17576681 (cited by Labcorp Genetics (formerly Invitae), Labcorp); PubMed 9536098 (cited by Labcorp Genetics (formerly Invitae), Labcorp).

NM_080680.3(COL11A2):c.2682G>A (p.Pro894=)

Gene: COL11A2 (collagen type XI alpha 2 chain; minus strand). Cytogenetic location: 6p21.32.
Variant type: single nucleotide variant.
Coding change: c.2682G>A on transcript NM_080680.3 (MANE Select); coding-DNA position 2682, G replaced by A.
Protein change: p.Pro894=; no amino-acid change (proline 894 retained).
Molecular consequence: synonymous variant.
Genome position (GRCh38, 1-based): chr6:33,173,502, C>T on the plus strand (G>A on the coding strand, the complement: COL11A2 is on the minus strand). VCF-style: chr6-33173502-C-T. GRCh37 (hg19) VCF-style: chr6-33141279-C-T.
Other names: c.2361G>A, p.Pro787= (NM_080679.3); c.2424G>A, p.Pro808= (NM_080681.3).
Identifiers: ClinVar variation 178327 (VCV000178327.16), dbSNP rs113067047, ClinGen allele CA182117.